The following is an entry in ClinVar:

NM_003001.5(SDHC):c.398G>C (p.Arg133Pro)

Gene: SDHC (succinate dehydrogenase complex subunit C; plus strand). Cytogenetic location: 1q23.3.
Variant type: single nucleotide variant.
Coding change: c.398G>C on transcript NM_003001.5 (MANE Select); coding-DNA position 398, G replaced by C.
Protein change: p.Arg133Pro; replaces arginine 133 with proline.
Molecular consequence: missense variant. On other transcripts: non-coding transcript variant (1), intron variant (3).
Genome position (GRCh38, 1-based): chr1:161,356,833, G>C. VCF-style: chr1-161356833-G-C. GRCh37 (hg19) VCF-style: chr1-161326623-G-C.
Other names: c.296G>C, p.Arg99Pro (NM_001035512.3); c.239G>C, p.Arg80Pro (NM_001035513.3); c.518G>C, p.Arg173Pro (NM_001407115.1); c.341G>C, p.Arg114Pro (NM_001407116.1); c.335G>C, p.Arg112Pro (NM_001407117.1); c.290G>C, p.Arg97Pro (NM_001407118.1); c.287G>C, p.Arg96Pro (NM_001407119.1, NM_001407120.1); c.242-5496G>C (NM_001035511.3); and 2 more; short protein forms R112P, R114P, R133P, R173P, R80P, R96P, R97P, R99P.
Identifiers: ClinVar variation 4072689 (VCV004072689.2).

ClinVar aggregate classification (germline): Uncertain significance. Review status: criteria provided, multiple submitters, no conflicts (2 of 4 stars). 2 submissions from 2 submitters: Uncertain significance (2). Last evaluated 2026-04-20.

Conditions:
Hereditary cancer-predisposing syndrome. Also called: Neoplastic Syndromes, Hereditary; Tumor predisposition; Hereditary Cancer Syndrome; Hereditary neoplastic syndrome. Identifiers: Orphanet 140162, MedGen C0027672, MeSH D009386, MONDO:0015356.

Submissions (2):

Ambry Genetics
Classification: Uncertain significance for Hereditary cancer-predisposing syndrome. Last evaluated: 2026-04-20. Review status: criteria provided, single submitter. Criteria: Ambry Variant Classification Scheme 2023. Collection method: clinical testing. Allele origin: germline.
Comment: The p.R133P variant (also known as c.398G>C), located in coding exon 5 of the SDHC gene, results from a G to C substitution at nucleotide position 398. The arginine at codon 133 is replaced by proline, an amino acid with dissimilar properties. This amino acid position is conserved. In addition, this alteration is predicted to be deleterious by in silico analysis. Based on the available evidence, the clinical significance of this variant remains unclear.

GeneDx
Classification: Uncertain significance. Last evaluated: 2025-01-29. Review status: criteria provided, single submitter. Criteria: GeneDx Variant Classification Process June 2021. Collection method: clinical testing. Allele origin: germline. Affected: yes.
Comment: Not observed at significant frequency in large population cohorts (gnomAD); In silico analysis supports that this missense variant has a deleterious effect on protein structure/function; Has not been previously published as pathogenic or benign to our knowledge